The following is an entry in ClinVar:

NC_000023.10:g.(?_77150786)_(77160758_?)dup

Genes: COX7B (cytochrome c oxidase subunit 7B; plus strand), MAGT1 (magnesium transporter 1; minus strand). Cytogenetic location: Xq21.1.
Variant type: Duplication.
Identifiers: ClinVar variation 1373983 (VCV001373983.4).

ClinVar aggregate classification (germline): Uncertain significance. Review status: criteria provided, single submitter (1 of 4 stars). 2 submissions from 1 submitter: Uncertain significance (1). 1 of the submissions does not count toward it. Last evaluated 2022-09-23.

Conditions:
X-linked immunodeficiency with magnesium defect, Epstein-Barr virus infection and neoplasia. Identifiers: Orphanet 317476, MedGen C3275445, MONDO:0010455, OMIM 300853.

Submissions (2):

Labcorp Genetics (formerly Invitae), Labcorp
Classification: Uncertain significance for X-linked immunodeficiency with magnesium defect, Epstein-Barr virus infection and neoplasia. Last evaluated: 2022-09-23. Review status: criteria provided, single submitter. Criteria: Invitae Variant Classification Sherloc (09022015). Collection method: clinical testing. Allele origin: germline.
Comment: This variant results in a copy number gain of the genomic region encompassing exon(s) 1 of the MAGT1 gene. This region includes the initiator codon of the gene. This copy number gain extends beyond the assayed region for this gene and therefore may encompass additional genes. As the precise location of this event is unknown, it may be in tandem or it may be located elsewhere in the genome. This variant has not been reported in the literature in individuals affected with MAGT1-related conditions. Experimental studies and prediction algorithms are not available or were not evaluated, and the functional significance of this variant is currently unknown. In summary, the available evidence is currently insufficient to determine the role of this variant in disease. Therefore, it has been classified as a Variant of Uncertain Significance.

Labcorp Genetics (formerly Invitae), Labcorp
Classification: Uncertain significance. Last evaluated: 2021-12-02. Review status: flagged submission. Criteria: Invitae Variant Classification Sherloc (09022015). Collection method: clinical testing. Allele origin: germline. Not counted in ClinVar's aggregate classification.
Comment: A copy number gain of the genomic region encompassing the full coding sequence of the COX7B gene has been identified. The boundaries of this event are unknown as they extend beyond the assayed region for this gene and therefore may encompass additional genes. As the precise location of this event is unknown, it may be in tandem or it may be located elsewhere in the genome. This variant has not been reported in the literature in individuals affected with COX7B-related conditions. Experimental studies and prediction algorithms are not available or were not evaluated, and the functional significance of this variant is currently unknown. In summary, the available evidence is currently insufficient to determine the role of this variant in disease. Therefore, it has been classified as a Variant of Uncertain Significance.
ClinVar note: Reason: This record appears to be redundant with a more recent record from the same submitter.
ClinVar note: Notes: SCV002139261 appears to be redundant with SCV003795708.